The following is an entry in ClinVar:

NM_003742.4(ABCB11):c.1405C>T (p.Gln469Ter)

Gene: ABCB11 (ATP binding cassette subfamily B member 11; minus strand). Cytogenetic location: 2q31.1.
Variant type: single nucleotide variant.
Coding change: c.1405C>T on transcript NM_003742.4 (MANE Select); coding-DNA position 1405, C replaced by T.
Protein change: p.Gln469Ter; replaces glutamine 469 with a stop codon.
Molecular consequence: nonsense.
Genome position (GRCh38, 1-based): chr2:168,973,744, G>A on the plus strand (C>T on the coding strand, the complement: ABCB11 is on the minus strand). VCF-style: chr2-168973744-G-A. GRCh37 (hg19) VCF-style: chr2-169830254-G-A.
Other names: short protein forms Q469*.
Identifiers: ClinVar variation 1526090 (VCV001526090.2), dbSNP rs2105967973, ClinGen allele CA349117077.

ClinVar aggregate classification (germline): Pathogenic/Likely pathogenic. Review status: criteria provided, multiple submitters, no conflicts (2 of 4 stars). 2 submissions from 2 submitters: Pathogenic (1); Likely pathogenic (1). Last evaluated 2026-01-29.

Conditions:
Progressive familial intrahepatic cholestasis type 2. Identifiers: Orphanet 79304, MedGen C3489789, MONDO:0011156, OMIM 601847.

Submissions (2):

Natera, Inc.
Classification: Likely pathogenic for Progressive familial intrahepatic cholestasis type 2. Last evaluated: 2026-01-29. Review status: criteria provided, single submitter. Criteria: Natera Variant Classification Schema (03/2026). Collection method: clinical testing. Allele origin: germline.
Comment: The c.1405C>T variant in ABCB11 is a nonsense variant predicted to introduce a stop codon at amino acid 469. This variant is expected to result in nonsense mediated decay, truncation, or a dysfunctional protein product. This variant is rare in the general population with a frequency below the threshold expected for the associated phenotype(s). Given the available evidence, this variant is classified as Likely Pathogenic.

3billion
Classification: Pathogenic for Progressive familial intrahepatic cholestasis type 2. Last evaluated: 2022-03-22. Review status: criteria provided, single submitter. Criteria: ACMG Guidelines, 2015. Collection method: clinical testing. Allele origin: germline. Affected: yes. Observed: 1 homozygote.
Comment: Stop-gained (nonsense): predicted to result in a loss or disruption of normal protein function through nonsense-mediated decay (NMD) or protein truncation. Multiple pathogenic variants are reported downstream of the variant.It is not observed in the gnomAD v2.1.1 dataset. Therefore, this variant is classified as pathogenic according to the recommendation of ACMG/AMP guideline.